The following is an entry in ClinVar:

NM_004369.4(COL6A3):c.913G>T (p.Val305Phe)

Gene: COL6A3 (collagen type VI alpha 3 chain; minus strand). Cytogenetic location: 2q37.3.
Variant type: single nucleotide variant.
Coding change: c.913G>T on transcript NM_004369.4 (MANE Select); coding-DNA position 913, G replaced by T.
Protein change: p.Val305Phe; replaces valine 305 with phenylalanine.
Molecular consequence: missense variant. On other transcripts: intron variant (2).
Genome position (GRCh38, 1-based): chr2:237,387,981, C>A on the plus strand (G>T on the coding strand, the complement: COL6A3 is on the minus strand). VCF-style: chr2-237387981-C-A. GRCh37 (hg19) VCF-style: chr2-238296624-C-A.
Other names: c.295G>T, p.Val99Phe (NM_057165.5, NM_057167.4); c.92-6482G>T (NM_057166.5, NM_057164.5); short protein forms V99F, V305F.
Identifiers: ClinVar variation 2722354 (VCV002722354.3), dbSNP rs564041158, ClinGen allele CA351223044.

ClinVar aggregate classification (germline): Uncertain significance (1 of 4 stars; one submission).

Conditions:
Bethlem myopathy 1A. Also called: Bethlem myopathy 1; Bethlem Muscular Dystrophy; MYOPATHY, BENIGN CONGENITAL, WITH CONTRACTURES. Identifiers: Orphanet 610, MedGen CN029274, MONDO:0024530, OMIM 158810.

gnomAD v4.1: 1 of 1,614,216 alleles (0.000062%); highest among the groups gnomAD compares: Admixed American, 0.0017%; no homozygotes.

Submission:

Labcorp Genetics (formerly Invitae), Labcorp
Classification: Uncertain significance for Bethlem myopathy 1A. Last evaluated: 2026-01-21. Review status: criteria provided, single submitter. Criteria: Invitae Variant Classification Sherloc (09022015). Collection method: clinical testing. Allele origin: germline.
Comment: This sequence change replaces valine, which is neutral and non-polar, with phenylalanine, which is neutral and non-polar, at codon 305 of the COL6A3 protein (p.Val305Phe). This variant is not present in population databases (gnomAD no frequency). This variant has not been reported in the literature in individuals affected with COL6A3-related conditions. ClinVar contains an entry for this variant (Variation ID: 2722354). Invitae Evidence Modeling of protein sequence and biophysical properties (such as structural, functional, and spatial information, amino acid conservation, physicochemical variation, residue mobility, and thermodynamic stability) indicates that this missense variant is not expected to disrupt COL6A3 protein function with a negative predictive value of 95%. In summary, the available evidence is currently insufficient to determine the role of this variant in disease. Therefore, it has been classified as a Variant of Uncertain Significance.